The following is an entry in ClinVar:

NM_001972.4(ELANE):c.463G>T (p.Gly155Cys)

Gene: ELANE (elastase, neutrophil expressed; plus strand). Cytogenetic location: 19p13.3.
Variant type: single nucleotide variant.
Coding change: c.463G>T on transcript NM_001972.4 (MANE Select); coding-DNA position 463, G replaced by T.
Protein change: p.Gly155Cys; replaces glycine 155 with cysteine.
Molecular consequence: missense variant.
Genome position (GRCh38, 1-based): chr19:855,660, G>T. VCF-style: chr19-855660-G-T. GRCh37 (hg19) VCF-style: chr19-855660-G-T.
Other names: short protein forms G155C.
Identifiers: ClinVar variation 4618397 (VCV004618397.1).

ClinVar aggregate classification (germline): Uncertain significance (1 of 4 stars; one submission).

Conditions:
Inborn genetic diseases. Identifiers: MedGen C0950123, MeSH D030342.

gnomAD v4.1: 1 of 1,607,982 alleles (0.000062%); no homozygotes.

Submission:

Ambry Genetics
Classification: Uncertain significance for Inborn genetic diseases. Last evaluated: 2025-09-29. Review status: criteria provided, single submitter. Criteria: Ambry Variant Classification Scheme 2023. Collection method: clinical testing. Allele origin: germline.
Comment: The p.G155C variant (also known as c.463G>T), located in coding exon 4 of the ELANE gene, results from a G to T substitution at nucleotide position 463. The glycine at codon 155 is replaced by cysteine, an amino acid with highly dissimilar properties. This amino acid position is conserved. In addition, this alteration is predicted to be deleterious by in silico analysis. Based on the available evidence, the clinical significance of this variant remains unclear.